The following is an entry in ClinVar:

NM_001793.6(CDH3):c.1120G>A (p.Gly374Arg)

Gene: CDH3 (cadherin 3; plus strand). Cytogenetic location: 16q22.1.
Variant type: single nucleotide variant.
Coding change: c.1120G>A on transcript NM_001793.6 (MANE Select); coding-DNA position 1120, G replaced by A.
Protein change: p.Gly374Arg; replaces glycine 374 with arginine.
Molecular consequence: missense variant.
Genome position (GRCh38, 1-based): chr16:68,682,425, G>A. VCF-style: chr16-68682425-G-A. GRCh37 (hg19) VCF-style: chr16-68716328-G-A.
Other names: c.1120G>A, p.Gly374Arg (NM_001317195.3); c.955G>A, p.Gly319Arg (NM_001317196.2); short protein forms G319R, G374R.
Identifiers: ClinVar variation 1025561 (VCV001025561.7), dbSNP rs1961258028, ClinGen allele CA396453255.

ClinVar aggregate classification (germline): Uncertain significance (1 of 4 stars; one submission).

Allele frequency attached by ClinVar (database versions not stated): gnomAD exomes below 0.00001; TOPMed below 0.00001.
gnomAD v4.1: 8 of 1,614,076 alleles (0.0005%); highest among the groups gnomAD compares: East Asian, 0.0022%; no homozygotes.

Submission:

Labcorp Genetics (formerly Invitae), Labcorp
Classification: Uncertain significance. Last evaluated: 2024-02-23. Review status: criteria provided, single submitter. Criteria: Invitae Variant Classification Sherloc (09022015). Collection method: clinical testing. Allele origin: germline.
Comment: This sequence change replaces glycine, which is neutral and non-polar, with arginine, which is basic and polar, at codon 374 of the CDH3 protein (p.Gly374Arg). This variant is not present in population databases (gnomAD no frequency). This variant has not been reported in the literature in individuals affected with CDH3-related conditions. ClinVar contains an entry for this variant (Variation ID: 1025561). Advanced modeling of protein sequence and biophysical properties (such as structural, functional, and spatial information, amino acid conservation, physicochemical variation, residue mobility, and thermodynamic stability) performed at Invitae indicates that this missense variant is not expected to disrupt CDH3 protein function with a negative predictive value of 80%. In summary, the available evidence is currently insufficient to determine the role of this variant in disease. Therefore, it has been classified as a Variant of Uncertain Significance.